The following is an entry in ClinVar:

NM_005359.6(SMAD4):c.955+8T>A

Gene: SMAD4 (SMAD family member 4; plus strand). Cytogenetic location: 18q21.2.
Variant type: single nucleotide variant.
Coding change: c.955+8T>A on transcript NM_005359.6 (MANE Select); 8 bases into the intron after coding-DNA position 955, T replaced by A.
Molecular consequence: intron variant.
Genome position (GRCh38, 1-based): chr18:51,059,924, T>A. VCF-style: chr18-51059924-T-A. GRCh37 (hg19) VCF-style: chr18-48586294-T-A.
Other names: c.955+8T>A (NM_001407042.1, NM_001407041.1, NM_001407043.1).
Identifiers: ClinVar variation 3904013 (VCV003904013.1).

ClinVar aggregate classification (germline): Likely benign (1 of 4 stars; one submission).

Conditions:
Juvenile polyposis/hereditary hemorrhagic telangiectasia syndrome (JPHT). Also called: JP/HHT SYNDROME; JUVENILE POLYPOSIS WITH HEREDITARY HEMORRHAGIC TELANGIECTASIA; POLYPOSIS, GENERALIZED JUVENILE, WITH PULMONARY ARTERIOVENOUS MALFORMATION; TELANGIECTASIA, HEREDITARY HEMORRHAGIC, WITH JUVENILE POLYPOSIS COLI; Juvenile Polyposis Syndrome / Hereditary Hemorrhagic Telangiectasia (JPS/HHT). Identifiers: Orphanet 2929, MedGen C1832942, MONDO:0008278, OMIM 175050.

Submission:

Myriad Genetics, Inc.
Classification: Likely benign for Juvenile polyposis/hereditary hemorrhagic telangiectasia syndrome. Last evaluated: 2025-03-20. Review status: criteria provided, single submitter. Criteria: Myriad Autosomal Dominant, Autosomal Recessive and X-Linked Classification Criteria (2023). Collection method: clinical testing. Allele origin: unknown.
Comment: This variant is considered likely benign. This variant is intronic and is not expected to impact mRNA splicing.